The following is an entry in ClinVar:

ClinVar aggregate classification (germline): Uncertain significance. Review status: criteria provided, multiple submitters, no conflicts (2 of 4 stars). 2 submissions from 2 submitters: Uncertain significance (2). Last evaluated 2024-03-24.

Conditions:
Familial thoracic aortic aneurysm and aortic dissection (TAAD). Also called: Thoracic aortic aneurysms and dissections. Identifiers: Orphanet 91387, MedGen C4707243, MONDO:0019625.

gnomAD v4.1: 1 of 1,614,214 alleles (0.000062%); no homozygotes.

Submissions (2):

All of Us Research Program, National Institutes of Health
Classification: Uncertain significance for Familial thoracic aortic aneurysm and aortic dissection. Last evaluated: 2024-03-24. Review status: criteria provided, single submitter. Criteria: ACMG Guidelines, 2015. Collection method: clinical testing. Allele origin: germline. Inheritance: Autosomal dominant inheritance. Observed: 1 variant allele, 1 heterozygote.
Comment: This missense variant replaces lysine with asparagine at codon 980 of the MYH11 protein. Computational prediction suggests that this variant may have deleterious impact on protein structure and function (internally defined REVEL score threshold >= 0.7, PMID: 27666373). To our knowledge, functional studies have not been reported for this variant. This variant has not been reported in individuals affected with cardiovascular disorders in the literature. This variant has not been identified in the general population by the Genome Aggregation Database (gnomAD). The available evidence is insufficient to determine the role of this variant in disease conclusively. Therefore, this variant is classified as a Variant of Uncertain Significance.

This study involves interpretation of variants in research participants for the purpose of population health screening. Participant phenotype was not available at the time of variant classification. Additional details can be found in publication PMID: 35346344, PMCID: PMC8962531

Color Diagnostics, LLC DBA Color Health
Classification: Uncertain significance for Familial thoracic aortic aneurysm and aortic dissection. Last evaluated: 2024-03-07. Review status: criteria provided, single submitter. Criteria: ACMG Guidelines, 2015. Collection method: clinical testing. Allele origin: germline.
Comment: This missense variant replaces lysine with asparagine at codon 980 of the MYH11 protein. Computational prediction tools indicate that this variant has a deleterious impact on protein structure and function. To our knowledge, functional studies have not been reported for this variant. This variant has not been reported in individuals affected with MYH11-related disorders in the literature. This variant has not been identified in the general population by the Genome Aggregation Database (gnomAD). The available evidence is insufficient to determine the role of this variant in disease conclusively. Therefore, this variant is classified as a Variant of Uncertain Significance.

NM_002474.3(MYH11):c.2919G>T (p.Lys973Asn)

Gene: MYH11 (myosin heavy chain 11; minus strand). Cytogenetic location: 16p13.11.
Variant type: single nucleotide variant.
Coding change: c.2919G>T on transcript NM_002474.3 (MANE Select); coding-DNA position 2919, G replaced by T.
Protein change: p.Lys973Asn; replaces lysine 973 with asparagine.
Molecular consequence: missense variant.
Genome position (GRCh38, 1-based): chr16:15,740,129, C>A on the plus strand (G>T on the coding strand, the complement: MYH11 is on the minus strand). VCF-style: chr16-15740129-C-A. GRCh37 (hg19) VCF-style: chr16-15833986-C-A.
Other names: c.2940G>T, p.Lys980Asn (NM_001040113.2, NM_001040114.2); c.2919G>T, p.Lys973Asn (NM_022844.3); short protein forms K973N, K980N.
Identifiers: ClinVar variation 925743 (VCV000925743.5), dbSNP rs2041231978, ClinGen allele CA394864742.